The following is an entry in ClinVar:

NM_001035.3(RYR2):c.13695C>A (p.Ser4565Arg)

Gene: RYR2 (ryanodine receptor 2; plus strand). Cytogenetic location: 1q43.
Variant type: single nucleotide variant.
Coding change: c.13695C>A on transcript NM_001035.3 (MANE Select); coding-DNA position 13695, C replaced by A.
Protein change: p.Ser4565Arg; replaces serine 4565 with arginine.
Molecular consequence: missense variant.
Genome position (GRCh38, 1-based): chr1:237,792,236, C>A. VCF-style: chr1-237792236-C-A. GRCh37 (hg19) VCF-style: chr1-237955536-C-A.
Other names: short protein forms S4565R.
Identifiers: ClinVar variation 2203010 (VCV002203010.6), dbSNP rs377503418, ClinGen allele CA345417539.

ClinVar aggregate classification (germline): Uncertain significance. Review status: criteria provided, multiple submitters, no conflicts (2 of 4 stars). 3 submissions from 3 submitters: Uncertain significance (3). Last evaluated 2025-06-25.

Conditions:
Catecholaminergic polymorphic ventricular tachycardia 1. Also called: VENTRICULAR TACHYCARDIA, STRESS-INDUCED POLYMORPHIC 1; VENTRICULAR TACHYCARDIA, CATECHOLAMINERGIC POLYMORPHIC, 1, WITH OR WITHOUT ATRIAL DYSFUNCTION AND/OR DILATED CARDIOMYOPATHY; RYR2-Related Catecholaminergic Polymorphic Ventricular Tachycardia. Identifiers: Orphanet 3286, MedGen C1631597, MONDO:0011484, OMIM 604772.
Catecholaminergic polymorphic ventricular tachycardia (CVPT). Also called: Catecholamine-induced polymorphic ventricular tachycardia. Identifiers: Orphanet 3286, MedGen C5574922, MONDO:0017990.
Cardiomyopathy (CMYO). Also called: Cardiomyopathies. Identifiers: Orphanet 167848, MedGen C0878544, MONDO:0004994, HP:0001638. Inheritance: Various modes of inheritance.

gnomAD v4.1: 10 of 1,613,734 alleles (0.00062%); highest among the groups gnomAD compares: Admixed American, 0.0017%; no homozygotes.

Submissions (3):

Color Diagnostics, LLC DBA Color Health
Classification: Uncertain significance for Cardiomyopathy. Last evaluated: 2025-06-25. Review status: criteria provided, single submitter. Criteria: ACMG Guidelines, 2015. Collection method: clinical testing. Allele origin: germline.
Comment: This missense variant replaces serine with arginine at codon 4565 of the RYR2 protein. Computational prediction is inconclusive regarding the impact of this variant on protein structure and function. A functional study has shown that this variant results in increased sensitivity of the RYR2 channels to calcium (PMID: 17556193). This variant has been reported in an individual affected with sudden infant death (PMID: 17556193). This variant has not been identified in the general population by the Genome Aggregation Database (gnomAD). The available evidence is insufficient to determine the role of this variant in disease conclusively. Therefore, this variant is classified as a Variant of Uncertain Significance.

Labcorp Genetics (formerly Invitae), Labcorp
Classification: Uncertain significance for Catecholaminergic polymorphic ventricular tachycardia 1. Last evaluated: 2025-01-20. Review status: criteria provided, single submitter. Criteria: Invitae Variant Classification Sherloc (09022015). Collection method: clinical testing. Allele origin: germline.
Comment: This sequence change replaces serine, which is neutral and polar, with arginine, which is basic and polar, at codon 4565 of the RYR2 protein (p.Ser4565Arg). This variant is not present in population databases (gnomAD no frequency). This missense change has been observed in individual(s) with sudden death (PMID: 17556193). ClinVar contains an entry for this variant (Variation ID: 2203010). Invitae Evidence Modeling of protein sequence and biophysical properties (such as structural, functional, and spatial information, amino acid conservation, physicochemical variation, residue mobility, and thermodynamic stability) has been performed for this missense variant. However, the output from this modeling did not meet the statistical confidence thresholds required to predict the impact of this variant on RYR2 protein function. Experimental studies have shown that this missense change affects RYR2 function (PMID: 17556193). In summary, the available evidence is currently insufficient to determine the role of this variant in disease. Therefore, it has been classified as a Variant of Uncertain Significance.

All of Us Research Program, National Institutes of Health
Classification: Uncertain significance for Catecholaminergic polymorphic ventricular tachycardia. Last evaluated: 2023-08-28. Review status: criteria provided, single submitter. Criteria: ACMG Guidelines, 2015. Collection method: clinical testing. Allele origin: germline. Inheritance: Autosomal dominant inheritance. Observed: 2 variant alleles, 2 heterozygotes.
Comment: This missense variant replaces serine with arginine at codon 4565 of the RYR2 protein. Computational prediction is inconclusive regarding the impact of this variant on protein structure and function (internally defined REVEL score threshold 0.5 < inconclusive < 0.7, PMID: 27666373). A functional study has shown that this variant results in increased sensitivity of the RYR2 channels to calcium (PMID: 17556193). This variant has been reported in an individual affected with sudden infant death syndrome (PMID: 17556193). This variant has not been identified in the general population by the Genome Aggregation Database (gnomAD). The available evidence is insufficient to determine the role of this variant in disease conclusively. Therefore, this variant is classified as a Variant of Uncertain Significance.

This study involves interpretation of variants in research participants for the purpose of population health screening. Participant phenotype was not available at the time of variant classification. Additional details can be found in publication PMID: 35346344, PMCID: PMC8962531

Literature cited by the submitters: PubMed 17556193 (cited by 3 submitters).